The following is an entry in ClinVar:

ClinVar aggregate classification (germline): Uncertain significance (1 of 4 stars; one submission).

Conditions:
Lethal multiple pterygium syndrome (LMPS). Identifiers: Orphanet 33108, MedGen C1854678, MONDO:0009668, OMIM 253290.

gnomAD v4.1: 1 of 1,614,090 alleles (0.000062%); highest among the groups gnomAD compares: Non-Finnish European, 0.000085%; no homozygotes.

Submission:

Labcorp Genetics (formerly Invitae), Labcorp
Classification: Uncertain significance for Lethal multiple pterygium syndrome. Last evaluated: 2017-10-02. Review status: criteria provided, single submitter. Criteria: Invitae Variant Classification Sherloc (09022015). Collection method: clinical testing. Allele origin: germline.
Comment: In summary, the available evidence is currently insufficient to determine the role of this variant in disease. Therefore, it has been classified as a Variant of Uncertain Significance. Algorithms developed to predict the effect of missense changes on protein structure and function do not agree on the potential impact of this missense change (SIFT: "Tolerated"; PolyPhen-2: "Probably Damaging"; Align-GVGD: "Class C0"). This variant has not been reported in the literature in individuals with CHRND-related disease. This variant is not present in population databases (ExAC no frequency). This sequence change replaces arginine with serine at codon 413 of the CHRND protein (p.Arg413Ser). The arginine residue is highly conserved and there is a moderate physicochemical difference between arginine and serine.

NM_000751.3(CHRND):c.1237C>A (p.Arg413Ser)

Gene: CHRND (cholinergic receptor nicotinic delta subunit; plus strand). Cytogenetic location: 2q37.1.
Variant type: single nucleotide variant.
Coding change: c.1237C>A on transcript NM_000751.3 (MANE Select); coding-DNA position 1237, C replaced by A.
Protein change: p.Arg413Ser; replaces arginine 413 with serine.
Molecular consequence: missense variant.
Genome position (GRCh38, 1-based): chr2:232,534,120, C>A. VCF-style: chr2-232534120-C-A. GRCh37 (hg19) VCF-style: chr2-233398830-C-A.
Other names: c.1192C>A, p.Arg398Ser (NM_001256657.2); c.655C>A, p.Arg219Ser (NM_001311195.2); c.934C>A, p.Arg312Ser (NM_001311196.2); short protein forms R413S, R398S, R219S, R312S.
Identifiers: ClinVar variation 534531 (VCV000534531.8), dbSNP rs1242056715, ClinGen allele CA351005319.